The following is an entry in ClinVar:

NM_000719.7(CACNA1C):c.4957-1G>A

Genes: CACNA1C-AS1 (CACNA1C antisense RNA 1; minus strand), CACNA1C (calcium voltage-gated channel subunit alpha1 C; plus strand). Cytogenetic location: 12p13.33.
Variant type: single nucleotide variant.
Coding change: c.4957-1G>A on transcript NM_000719.7 (MANE Select); the canonical splice acceptor site of the intron before coding-DNA position 4957, G replaced by A.
Molecular consequence: splice acceptor variant. On other transcripts: non-coding transcript variant (1).
Genome position (GRCh38, 1-based): chr12:2,677,732, G>A. VCF-style: chr12-2677732-G-A. GRCh37 (hg19) VCF-style: chr12-2786898-G-A.
Other names: c.4957-1G>A (NM_001167624.3, NM_001167623.2, NM_001129840.2 and 4 more transcripts); c.4924-1G>A (NM_001167625.2, NM_001129846.2); c.5101-1G>A (NM_199460.4, NM_001129827.2); c.5017-1G>A (NM_001129832.2); c.5041-1G>A (NM_001129831.2); c.5014-1G>A (NM_001129833.2, NM_001129834.2, NM_001129835.2); c.5080-1G>A (NM_001129829.2); c.4981-1G>A (NM_001129837.2, NM_001129838.2); and 3 more.
Identifiers: ClinVar variation 2573713 (VCV002573713.2), dbSNP rs2532138218, ClinGen allele CA383378178.

ClinVar aggregate classification (germline): Uncertain significance (1 of 4 stars; one submission).

Submission:

GeneDx
Classification: Uncertain significance. Last evaluated: 2026-01-23. Review status: criteria provided, single submitter. Criteria: GeneDx Variant Classification Process June 2021. Collection method: clinical testing. Allele origin: germline.
Comment: Not observed at significant frequency in large population cohorts (gnomAD); Canonical splice site variant with an unclear effect on protein function; Has not been previously published as pathogenic or benign to our knowledge